The following is an entry in ClinVar:

ClinVar aggregate classification (germline): Likely pathogenic (1 of 4 stars; one submission).

Conditions:
Sialuria. Also called: SIALURIA, FRENCH TYPE; Sialic Acid Storage Disease. Identifiers: Orphanet 3166, MedGen C0342853, MONDO:0010028, OMIM 269921.
GNE myopathy (NM). Also called: INCLUSION BODY MYOPATHY, HEREDITARY, AUTOSOMAL RECESSIVE; INCLUSION BODY MYOPATHY 2, AUTOSOMAL RECESSIVE; MYOPATHY, DISTAL, WITH OR WITHOUT RIMMED VACUOLES; IBM 2; Inclusion body myopathy autosomal recessive; Inclusion body myopathy quadriceps sparing. Identifiers: Orphanet 602, MedGen C1853926, MONDO:0011603, OMIM 605820.

Allele frequency attached by ClinVar (database versions not stated): gnomAD exomes below 0.00001.
gnomAD v4.1: 1 of 1,608,344 alleles (0.000062%); highest among the groups gnomAD compares: African/African-American, 0.0013%; no homozygotes.

Submission:

Labcorp Genetics (formerly Invitae), Labcorp
Classification: Likely pathogenic for Sialuria; GNE myopathy. Last evaluated: 2023-10-04. Review status: criteria provided, single submitter. Criteria: Invitae Variant Classification Sherloc (09022015). Collection method: clinical testing. Allele origin: germline.
Comment: This sequence change affects a donor splice site in intron 1 of the GNE gene. It is expected to disrupt RNA splicing. Variants that disrupt the donor or acceptor splice site typically lead to a loss of protein function (PMID: 16199547), and loss-of-function variants in GNE are known to be pathogenic (PMID: 24027297). This variant is not present in population databases (gnomAD no frequency). This variant has not been reported in the literature in individuals affected with GNE-related conditions. Algorithms developed to predict the effect of sequence changes on RNA splicing suggest that this variant may disrupt the consensus splice site. In summary, the currently available evidence indicates that the variant is pathogenic, but additional data are needed to prove that conclusively. Therefore, this variant has been classified as Likely Pathogenic.

Literature cited by the submitters: PubMed 16199547; PubMed 24027297.

NM_001128227.3(GNE):c.51+2T>A

Gene: GNE (glucosamine (UDP-N-acetyl)-2-epimerase/N-acetylmannosamine kinase; minus strand). Cytogenetic location: 9p13.3.
Variant type: single nucleotide variant.
Coding change: c.51+2T>A on transcript NM_001128227.3 (MANE Plus Clinical); the canonical splice donor site of the intron after coding-DNA position 51, T replaced by A.
Molecular consequence: splice donor variant.
Genome position (GRCh38, 1-based): chr9:36,276,892, A>T on the plus strand (T>A on the coding strand, the complement: GNE is on the minus strand). VCF-style: chr9-36276892-A-T. GRCh37 (hg19) VCF-style: chr9-36276889-A-T.
Other names: c.-14+2T>A (NM_001190388.2).
Identifiers: ClinVar variation 2951688 (VCV002951688.3), dbSNP rs2489933374, ClinGen allele CA373429356.